The following is an entry in ClinVar:

ClinVar aggregate classification (germline): Pathogenic (1 of 4 stars; one submission).

Submission:

Labcorp Genetics (formerly Invitae), Labcorp
Classification: Pathogenic. Last evaluated: 2019-06-19. Review status: criteria provided, single submitter. Criteria: Invitae Variant Classification Sherloc (09022015). Collection method: clinical testing. Allele origin: germline.
Comment: This variant is not present in population databases (ExAC no frequency). For these reasons, this variant has been classified as Pathogenic. Loss-of-function variants in PHEX are known to be pathogenic (PMID: 9097956, 9106524, 19219621). This variant has not been reported in the literature in individuals with PHEX-related conditions. This sequence change creates a premature translational stop signal (p.Leu23Valfs*25) in the PHEX gene. It is expected to result in an absent or disrupted protein product.

Literature cited by the submitters: PubMed 9097956; PubMed 9106524; PubMed 19219621.

NM_000444.6(PHEX):c.67_74del (p.Leu23fs)

Gene: PHEX (phosphate regulating endopeptidase X-linked; plus strand). Cytogenetic location: Xp22.11.
Variant type: Deletion.
Coding change: c.67_74del on transcript NM_000444.6 (MANE Select); coding-DNA positions 67 to 74, 8 bases deleted (CTGGTCGT; older notation c.67_74delCTGGTCGT).
Protein change: p.Leu23fs; shifts the reading frame from leucine 23.
Molecular consequence: frameshift variant.
Genome position (GRCh38, 1-based): chrX:22,033,072-22,033,079, CTGGTCGT deleted. VCF-style (leftmost placement, unchanged base first): chrX-22033071-CCTGGTCGT-C. GRCh37 (hg19) VCF-style: chrX-22051189-CCTGGTCGT-C.
Other names: c.67_74del, p.Leu23fs (NM_001282754.2); short protein forms L23fs.
Identifiers: ClinVar variation 935048 (VCV000935048.8), dbSNP rs1926871732, ClinGen allele CA1139667273.